The following is an entry in ClinVar:

ClinVar aggregate classification (germline): Uncertain significance (1 of 4 stars; one submission).

Allele frequency attached by ClinVar (database versions not stated): gnomAD exomes below 0.00001.

Submission:

GeneDx
Classification: Uncertain significance. Last evaluated: 2022-11-06. Review status: criteria provided, single submitter. Criteria: GeneDx Variant Classification Process June 2021. Collection method: clinical testing. Allele origin: germline. Affected: yes.
Comment: Not observed at significant frequency in large population cohorts (gnomAD); In silico analysis supports that this missense variant does not alter protein structure/function; Has not been previously published as pathogenic or benign to our knowledge

NM_018896.5(CACNA1G):c.5840T>C (p.Leu1947Pro)

Gene: CACNA1G (calcium voltage-gated channel subunit alpha1 G; plus strand). Cytogenetic location: 17q21.33.
Variant type: single nucleotide variant.
Coding change: c.5840T>C on transcript NM_018896.5 (MANE Select); coding-DNA position 5840, T replaced by C.
Protein change: p.Leu1947Pro; replaces leucine 1947 with proline.
Molecular consequence: missense variant. On other transcripts: intron variant (20).
Genome position (GRCh38, 1-based): chr17:50,619,741, T>C. VCF-style: chr17-50619741-T-C. GRCh37 (hg19) VCF-style: chr17-48697102-T-C.
Other names: c.5786T>C, p.Leu1929Pro (NM_001256324.2); c.5705T>C, p.Leu1902Pro (NM_001256326.2); c.5807T>C, p.Leu1936Pro (NM_198377.3, NM_198380.3); c.5738T>C, p.Leu1913Pro (NM_198379.3, NM_198396.3); c.5840T>C, p.Leu1947Pro (NM_198385.3); c.5802+733T>C (NM_001256325.2); c.5748+733T>C (NM_198378.3, NM_001256334.2); c.5781+733T>C (NM_198384.3, NM_001256333.2); and 12 more; short protein forms L1902P, L1913P, L1929P, L1936P, L1947P.
Identifiers: ClinVar variation 2501510 (VCV002501510.1), dbSNP rs2545786206, ClinGen allele CA400266678.